The following is an entry in ClinVar:

ClinVar aggregate classification (germline): Uncertain significance (1 of 4 stars; one submission).

Conditions:
Dystonia 12 (DYT12). Also called: DYT-ATP1A3; Rapid-Onset Dystonia-Parkinsonism (RDP). Identifiers: Orphanet 71517, MedGen C1868681, MONDO:0007496, OMIM 128235.

Submission:

Labcorp Genetics (formerly Invitae), Labcorp
Classification: Uncertain significance for Dystonia 12. Last evaluated: 2021-01-01. Review status: criteria provided, single submitter. Criteria: Invitae Variant Classification Sherloc (09022015). Collection method: clinical testing. Allele origin: germline.
Comment: In summary, the available evidence is currently insufficient to determine the role of this variant in disease. Therefore, it has been classified as a Variant of Uncertain Significance. Advanced modeling of protein sequence and biophysical properties (such as structural, functional, and spatial information, amino acid conservation, physicochemical variation, residue mobility, and thermodynamic stability) performed at Invitae indicates that this missense variant is expected to disrupt ATP1A3 protein function. This variant has not been reported in the literature in individuals with ATP1A3-related conditions. This variant is not present in population databases (ExAC no frequency). This sequence change replaces glycine with aspartic acid at codon 270 of the ATP1A3 protein (p.Gly270Asp). The glycine residue is highly conserved and there is a moderate physicochemical difference between glycine and aspartic acid.

NM_152296.5(ATP1A3):c.809G>A (p.Gly270Asp)

Gene: ATP1A3 (ATPase Na+/K+ transporting subunit alpha 3; minus strand). Cytogenetic location: 19q13.2.
Variant type: single nucleotide variant.
Coding change: c.809G>A on transcript NM_152296.5 (MANE Select); coding-DNA position 809, G replaced by A.
Protein change: p.Gly270Asp; replaces glycine 270 with aspartic acid.
Molecular consequence: missense variant.
Genome position (GRCh38, 1-based): chr19:41,985,102, C>T on the plus strand (G>A on the coding strand, the complement: ATP1A3 is on the minus strand). VCF-style: chr19-41985102-C-T. GRCh37 (hg19) VCF-style: chr19-42489254-C-T.
Other names: c.842G>A, p.Gly281Asp (NM_001256213.2); c.848G>A, p.Gly283Asp (NM_001256214.2); short protein forms G270D, G283D, G281D.
Identifiers: ClinVar variation 1358308 (VCV001358308.8), dbSNP rs1555864875, ClinGen allele CA406053036.